The following is an entry in ClinVar:

NM_000548.5(TSC2):c.1481C>A (p.Ser494Tyr)

Gene: TSC2 (TSC complex subunit 2; plus strand). Cytogenetic location: 16p13.3.
Variant type: single nucleotide variant.
Coding change: c.1481C>A on transcript NM_000548.5 (MANE Select); coding-DNA position 1481, C replaced by A.
Protein change: p.Ser494Tyr; replaces serine 494 with tyrosine.
Molecular consequence: missense variant.
Genome position (GRCh38, 1-based): chr16:2,064,309, C>A. VCF-style: chr16-2064309-C-A. GRCh37 (hg19) VCF-style: chr16-2114310-C-A.
Other names: c.1571C>A, p.Ser524Tyr (NM_001406668.1, NM_001406667.1); c.1370C>A, p.Ser457Tyr (NM_001406670.1, NM_001406678.1, NM_001318827.2); c.1469C>A, p.Ser490Tyr (NM_001406671.1, NM_001406673.1); c.1334C>A, p.Ser445Tyr (NM_001406675.1, NM_001406676.1, NM_001406679.1 and 1 more transcripts); c.1424C>A, p.Ser475Tyr (NM_001406677.1); c.881C>A, p.Ser294Tyr (NM_001406680.1, NM_001318831.2, NM_001406682.1 and 6 more transcripts); c.1481C>A, p.Ser494Tyr (NM_001077183.3, NM_001114382.3, NM_001363528.2 and 6 more transcripts); c.1514C>A, p.Ser505Tyr (NM_001318832.2); and 3 more; short protein forms S294Y, S505Y, S340Y, S445Y, S46Y, S524Y, S475Y, S494Y.
Identifiers: ClinVar variation 1773574 (VCV001773574.8), dbSNP rs751984707, ClinGen allele CA394325856.

ClinVar aggregate classification (germline): Uncertain significance. Review status: criteria provided, multiple submitters, no conflicts (2 of 4 stars). 3 submissions from 3 submitters: Uncertain significance (3). Last evaluated 2023-10-06.

Conditions:
Hereditary cancer-predisposing syndrome. Also called: Tumor predisposition; Neoplastic Syndromes, Hereditary; Hereditary Cancer Syndrome; Hereditary neoplastic syndrome. Identifiers: Orphanet 140162, MedGen C0027672, MeSH D009386, MONDO:0015356.
Tuberous sclerosis 2 (TSC2). Identifiers: Orphanet 805, MedGen C1860707, MONDO:0013199, OMIM 613254.
Isolated focal cortical dysplasia type II (FCORD2). Also called: CORTICAL DYSPLASIA OF TAYLOR; Focal cortical dysplasia type II. Identifiers: Orphanet 268994, MedGen C1846385, MONDO:0011818, OMIM 607341, HP:0032051.

Submissions (3):

Baylor Genetics
Classification: Uncertain significance for Isolated focal cortical dysplasia type II. Last evaluated: 2023-10-06. Review status: criteria provided, single submitter. Criteria: ACMG Guidelines, 2015. Collection method: clinical testing. Allele origin: unknown.

Labcorp Genetics (formerly Invitae), Labcorp
Classification: Uncertain significance for Tuberous sclerosis 2. Last evaluated: 2023-08-02. Review status: criteria provided, single submitter. Criteria: Invitae Variant Classification Sherloc (09022015). Collection method: clinical testing. Allele origin: germline.
Comment: In summary, the available evidence is currently insufficient to determine the role of this variant in disease. Therefore, it has been classified as a Variant of Uncertain Significance. Advanced modeling of protein sequence and biophysical properties (such as structural, functional, and spatial information, amino acid conservation, physicochemical variation, residue mobility, and thermodynamic stability) performed at Invitae indicates that this missense variant is not expected to disrupt TSC2 protein function. ClinVar contains an entry for this variant (Variation ID: 1773574). This variant has not been reported in the literature in individuals affected with TSC2-related conditions. This variant is not present in population databases (gnomAD no frequency). This sequence change replaces serine, which is neutral and polar, with tyrosine, which is neutral and polar, at codon 494 of the TSC2 protein (p.Ser494Tyr).

Ambry Genetics
Classification: Uncertain significance for Hereditary cancer-predisposing syndrome. Last evaluated: 2022-02-06. Review status: criteria provided, single submitter. Criteria: Ambry Variant Classification Scheme 2023. Collection method: clinical testing. Allele origin: germline.
Comment: The p.S494Y variant (also known as c.1481C>A), located in coding exon 14 of the TSC2 gene, results from a C to A substitution at nucleotide position 1481. The serine at codon 494 is replaced by tyrosine, an amino acid with dissimilar properties. This amino acid position is conserved. In addition, the in silico prediction for this alteration is inconclusive. Since supporting evidence is limited at this time, the clinical significance of this alteration remains unclear.